The following is an entry in ClinVar:

NM_000453.3(SLC5A5):c.536C>A (p.Thr179Lys)

Gene: SLC5A5 (solute carrier family 5 member 5; plus strand). Cytogenetic location: 19p13.11.
Variant type: single nucleotide variant.
Coding change: c.536C>A on transcript NM_000453.3 (MANE Select); coding-DNA position 536, C replaced by A.
Protein change: p.Thr179Lys; replaces threonine 179 with lysine.
Molecular consequence: missense variant.
Genome position (GRCh38, 1-based): chr19:17,874,724, C>A. VCF-style: chr19-17874724-C-A. GRCh37 (hg19) VCF-style: chr19-17985533-C-A.
Other names: c.269C>A, p.Thr90Lys (NM_001440707.1); short protein forms T90K, T179K.
Identifiers: ClinVar variation 4985730 (VCV004985730.1).
Genomic context (GRCh38, chr19:17,874,724, plus strand): 5'-TGACCGGGCTGGACATCTGGGCGTCGCTCCTGTCCACCGGAATTATCTGCACCTTCTACA[C>A]GGCTGTGGTGAGTGGCCCTGGGAACTCACTCCATACGGGGGATCGGGCCCACTGTGTCTC-3'
Protein context (NP_000444.1, residues 169-189): LSTGIICTFY[Thr179Lys]AVGGMKAVVW

ClinVar aggregate classification (germline): Uncertain significance (1 of 4 stars; one submission).

Conditions:
SLC5A5-related disorder. Also called: SLC5A5-related condition.

gnomAD v4.1: 3 of 1,613,998 alleles (0.00019%); highest among the groups gnomAD compares: Admixed American, 0.0033%; no homozygotes.

Submission:

PreventionGenetics, part of Exact Sciences
Classification: Uncertain significance for SLC5A5-related condition. Last evaluated: 2026-07-25. Review status: criteria provided, single submitter. Criteria: ACMG Guidelines, 2015. Collection method: clinical testing. Allele origin: germline.
Comment: The SLC5A5 c.536C>A variant is predicted to result in the amino acid substitution p.Thr179Lys. To our knowledge, this variant has not been reported in the literature or in a large population database (gnomAD), indicating this variant is rare. At this time, the clinical significance of this variant is uncertain due to the absence of conclusive functional and genetic evidence.